The following is an entry in ClinVar:

ClinVar aggregate classification (germline): Uncertain significance (1 of 4 stars; one submission).

Submission:

GeneDx
Classification: Uncertain significance. Last evaluated: 2024-03-25. Review status: criteria provided, single submitter. Criteria: GeneDx Variant Classification Process June 2021. Collection method: clinical testing. Allele origin: germline. Affected: yes.
Comment: Not observed at significant frequency in large population cohorts (gnomAD); In silico analysis supports that this missense variant has a deleterious effect on protein structure/function; Has not been previously published as pathogenic or benign to our knowledge

NM_001127222.2(CACNA1A):c.6395C>T (p.Ala2132Val)

Gene: CACNA1A (calcium voltage-gated channel subunit alpha1 A; minus strand). Cytogenetic location: 19p13.13.
Variant type: single nucleotide variant.
Coding change: c.6395C>T on transcript NM_001127222.2 (MANE Select); coding-DNA position 6395, C replaced by T.
Protein change: p.Ala2132Val; replaces alanine 2132 with valine.
Molecular consequence: missense variant.
Genome position (GRCh38, 1-based): chr19:13,209,443, G>A on the plus strand (C>T on the coding strand, the complement: CACNA1A is on the minus strand). VCF-style: chr19-13209443-G-A. GRCh37 (hg19) VCF-style: chr19-13320257-G-A.
Other names: c.6413C>T, p.Ala2138Val (NM_000068.4, NM_023035.3); c.6398C>T, p.Ala2133Val (NM_001127221.2); c.6404C>T, p.Ala2135Val (NM_001174080.2); short protein forms A2132V, A2133V, A2135V, A2138V.
Identifiers: ClinVar variation 3359951 (VCV003359951.1).